The following is an entry in ClinVar:

NM_177939.3(P4HTM):c.1228C>A (p.Arg410Ser)

Gene: P4HTM (prolyl 4-hydroxylase, transmembrane; plus strand). Cytogenetic location: 3p21.31.
Variant type: single nucleotide variant.
Coding change: c.1228C>A on transcript NM_177939.3 (MANE Select); coding-DNA position 1228, C replaced by A.
Protein change: p.Arg410Ser; replaces arginine 410 with serine.
Molecular consequence: missense variant.
Genome position (GRCh38, 1-based): chr3:49,006,127, C>A. VCF-style: chr3-49006127-C-A. GRCh37 (hg19) VCF-style: chr3-49043560-C-A.
Other names: c.1411C>A, p.Arg471Ser (NM_177938.2); short protein forms R410S, R471S.
Identifiers: ClinVar variation 1303426 (VCV001303426.4), dbSNP rs1413442651, ClinGen allele CA352660922.

ClinVar aggregate classification (germline): Likely pathogenic (1 of 4 stars; one submission).

Allele frequency attached by ClinVar (database versions not stated): TOPMed below 0.00001.
gnomAD v4.1: 1 of 1,612,822 alleles (0.000062%); highest among the groups gnomAD compares: African/African-American, 0.0013%; no homozygotes.

Submission:

GeneDx
Classification: Likely pathogenic. Last evaluated: 2024-10-16. Review status: criteria provided, single submitter. Criteria: GeneDx Variant Classification Process June 2021. Collection method: clinical testing. Allele origin: germline. Affected: yes.
Comment: Not observed at significant frequency in large population cohorts (gnomAD); In silico analysis supports a deleterious effect on protein structure/function; This variant is associated with the following publications: (PMID: 34285383, 32965080)